The following is an entry in ClinVar:

ClinVar aggregate classification (germline): Benign. Review status: criteria provided, multiple submitters, no conflicts (2 of 4 stars). 14 submissions from 12 submitters: Benign (11). 3 of the submissions do not count toward it. Last evaluated 2026-02-04.

Conditions:
Autosomal dominant hypocalcemia 1 (HYPOC1). Also called: HYPOCALCEMIA, FAMILIAL. Identifiers: MedGen C3715128, MONDO:0011013, OMIM 601198.
Familial hypocalciuric hypercalcemia (FHH). Also called: Familial benign hypercalcemia. Identifiers: Orphanet 405, MedGen C1809471, MONDO:0018458.
Familial hypocalciuric hypercalcemia 1. Also called: Hypercalcemia, familial benign type 1. Identifiers: Orphanet 405, Orphanet 93372, MedGen C0342637, MONDO:0007791, OMIM 145980.
Neonatal severe primary hyperparathyroidism. Identifiers: Orphanet 417, MedGen C1832615, MONDO:0009397, OMIM 239200.

Allele frequency attached by ClinVar (database versions not stated): ESP Exome Variant Server 0.91235; gnomAD 0.91296 and 0.91707; TOPMed 0.91817; 1000 Genomes Project 0.92192; 1000 Genomes Project 30x 0.92239; ExAC 0.94371; gnomAD exomes 0.94921 and 0.95585.
gnomAD v4.1: 1,527,439 of 1,604,058 alleles (95%); highest among the groups gnomAD compares: East Asian, 98%; 728,269 homozygotes.

Submissions (14):

Labcorp Genetics (formerly Invitae), Labcorp
Classification: Benign for Familial hypocalciuric hypercalcemia; Autosomal dominant hypocalcemia 1. Last evaluated: 2026-02-04. Review status: criteria provided, single submitter. Criteria: Invitae Variant Classification Sherloc (09022015). Collection method: clinical testing. Allele origin: germline.

Blueprint Genetics
Classification: Benign. Last evaluated: 2024-11-26. Review status: criteria provided, single submitter. Criteria: ACMG Guidelines, 2015. Collection method: clinical testing. Allele origin: germline.

Genome-Nilou Lab
Classification: Benign for Neonatal severe primary hyperparathyroidism. Last evaluated: 2021-07-14. Review status: criteria provided, single submitter. Criteria: ACMG Guidelines, 2015. Collection method: clinical testing. Allele origin: germline. Affected: no.

Genome-Nilou Lab
Classification: Benign for Autosomal dominant hypocalcemia 1. Last evaluated: 2021-07-14. Review status: criteria provided, single submitter. Criteria: ACMG Guidelines, 2015. Collection method: clinical testing. Allele origin: germline. Affected: no.

Genome-Nilou Lab
Classification: Benign for Familial hypocalciuric hypercalcemia 1. Last evaluated: 2021-07-14. Review status: criteria provided, single submitter. Criteria: ACMG Guidelines, 2015. Collection method: clinical testing. Allele origin: germline. Affected: no.

GeneDx
Classification: Benign. Last evaluated: 2017-12-13. Review status: criteria provided, single submitter. Criteria: GeneDx Variant Classification (06012015). Collection method: clinical testing. Allele origin: germline. Affected: yes.
Comment: This variant is considered likely benign or benign based on one or more of the following criteria: it is a conservative change, it occurs at a poorly conserved position in the protein, it is predicted to be benign by multiple in silico algorithms, and/or has population frequency not consistent with disease.

Athena Diagnostics
Classification: Benign. Last evaluated: 2017-07-13. Review status: criteria provided, single submitter. Criteria: Athena Diagnostics Criteria. Collection method: clinical testing. Allele origin: germline.

Eurofins Ntd Llc (ga)
Classification: Benign. Last evaluated: 2013-08-22. Review status: criteria provided, single submitter. Criteria: EGL Classification Definitions 2015. Collection method: clinical testing. Allele origin: germline. Observed: 1 variant allele, 1 homozygote.

Women's Health and Genetics/Laboratory Corporation of America, LabCorp
Classification: Benign for Familial Hypocalciuric Hypercalcemia. Last evaluated: 2011-08-18. Review status: criteria provided, single submitter. Criteria: LabCorp Variant Classification Summary - May 2015. Collection method: curation, clinical testing. Allele origin: germline. Inheritance: autosomal unknown. Affected: yes.
ClinVar note: Converted during submission from benign to Benign.

Breakthrough Genomics
Classification: Benign. Review status: criteria provided, single submitter. Criteria: ACMG Guidelines, 2015. Collection method: not provided. Allele origin: germline. Inheritance: Autosomal recessive inheritance. Affected: yes.

PreventionGenetics, part of Exact Sciences
Classification: Benign. Review status: criteria provided, single submitter. Criteria: ACMG Guidelines, 2015. Collection method: clinical testing. Allele origin: germline.

Diagnostic Laboratory, Department of Genetics, University Medical Center Groningen
Classification: Benign. Review status: no assertion criteria provided. Collection method: clinical testing. Allele origin: germline. Affected: yes. Study: VKGL Data-share Consensus. Not counted in ClinVar's aggregate classification.

Genome Diagnostics Laboratory, University Medical Center Utrecht
Classification: Benign. Review status: no assertion criteria provided. Collection method: clinical testing. Allele origin: germline. Affected: yes. Study: VKGL Data-share Consensus. Not counted in ClinVar's aggregate classification.

Joint Genome Diagnostic Labs from Nijmegen and Maastricht, Radboudumc and MUMC+
Classification: Benign. Review status: no assertion criteria provided. Collection method: clinical testing. Allele origin: germline. Affected: yes. Study: VKGL Data-share Consensus. Not counted in ClinVar's aggregate classification.

Literature cited by the submitters: PubMed 17320849 (cited by Athena Diagnostics and Women's Health and Genetics/Laboratory Corporation of America, LabCorp).

NM_000388.4(CASR):c.492+19G>A

Gene: CASR (calcium sensing receptor; plus strand). Cytogenetic location: 3q21.1.
Variant type: single nucleotide variant.
Coding change: c.492+19G>A on transcript NM_000388.4 (MANE Select); 19 bases into the intron after coding-DNA position 492, G replaced by A.
Molecular consequence: intron variant.
Genome position (GRCh38, 1-based): chr3:122,257,406, G>A. VCF-style: chr3-122257406-G-A. GRCh37 (hg19) VCF-style: chr3-121976253-G-A.
Other names: c.492+19G>A (NM_001178065.2).
Identifiers: ClinVar variation 35799 (VCV000035799.26), dbSNP rs9869985, ClinGen allele CA146069.